The following is an entry in ClinVar:

NM_002890.3(RASA1):c.359C>G (p.Pro120Arg)

Gene: RASA1 (RAS p21 protein activator 1; plus strand). Cytogenetic location: 5q14.3.
Variant type: single nucleotide variant.
Coding change: c.359C>G on transcript NM_002890.3 (MANE Select); coding-DNA position 359, C replaced by G.
Protein change: p.Pro120Arg; replaces proline 120 with arginine.
Molecular consequence: missense variant.
Genome position (GRCh38, 1-based): chr5:87,268,810, C>G. VCF-style: chr5-87268810-C-G. GRCh37 (hg19) VCF-style: chr5-86564627-C-G.
Other names: short protein forms P120R.
Identifiers: ClinVar variation 2145705 (VCV002145705.4), dbSNP rs750451305, ClinGen allele CA3335410.
Genomic context (GRCh38, chr5:87,268,810, plus strand): 5'-CTGGCGTGGCCGGTGCTGCTGTTGCTGGACCTAGTGGAGACATGGCTCTCACCAAACTGC[C>G]CACTTCGTTGCTTGCTGAGACTCTCGGGCCAGGCGGCGGTTTTCCCCCTCTGCCCCCTCC-3'
Protein context (NP_002881.1, residues 110-130): PSGDMALTKL[Pro120Arg]TSLLAETLGP

ClinVar aggregate classification (germline): Uncertain significance (1 of 4 stars; one submission).

Conditions:
Capillary malformation-arteriovenous malformation syndrome. Also called: Capillary malformation-arteriovenous malformation. Identifiers: Orphanet 137667, MedGen C1842180, MONDO:0012016.

Allele frequency attached by ClinVar (database versions not stated): ExAC 0.00001; gnomAD exomes 0.00001; TOPMed 0.00002; gnomAD 0.00003.
gnomAD v4.1: 18 of 1,613,992 alleles (0.0011%); highest among the groups gnomAD compares: Non-Finnish European, 0.0014%; no homozygotes.

Submission:

Labcorp Genetics (formerly Invitae), Labcorp
Classification: Uncertain significance for Capillary malformation-arteriovenous malformation syndrome. Last evaluated: 2025-12-02. Review status: criteria provided, single submitter. Criteria: Invitae Variant Classification Sherloc (09022015). Collection method: clinical testing. Allele origin: germline.
Comment: This sequence change replaces proline, which is neutral and non-polar, with arginine, which is basic and polar, at codon 120 of the RASA1 protein (p.Pro120Arg). This variant is present in population databases (rs750451305, gnomAD 0.002%). This variant has not been reported in the literature in individuals affected with RASA1-related conditions. ClinVar contains an entry for this variant (Variation ID: 2145705). An algorithm developed to predict the effect of missense changes on protein structure and function (PolyPhen-2) suggests that this variant is likely to be tolerated. In summary, the available evidence is currently insufficient to determine the role of this variant in disease. Therefore, it has been classified as a Variant of Uncertain Significance.